The following is an entry in ClinVar:

NM_004247.4(EFTUD2):c.103G>T (p.Glu35Ter)

Gene: EFTUD2 (elongation factor Tu GTP binding domain containing 2; minus strand). Cytogenetic location: 17q21.31.
Variant type: single nucleotide variant.
Coding change: c.103G>T on transcript NM_004247.4 (MANE Select); coding-DNA position 103, G replaced by T.
Protein change: p.Glu35Ter; replaces glutamic acid 35 with a stop codon.
Molecular consequence: nonsense. On other transcripts: intron variant (1).
Genome position (GRCh38, 1-based): chr17:44,894,419, C>A on the plus strand (G>T on the coding strand, the complement: EFTUD2 is on the minus strand). VCF-style: chr17-44894419-C-A. GRCh37 (hg19) VCF-style: chr17-42971787-C-A.
Other names: c.103G>T, p.Glu35Ter (NM_001258353.2, NM_001258354.2); c.-1+4950G>T (NM_001142605.2); short protein forms E35*.
Identifiers: ClinVar variation 379627 (VCV000379627.2), dbSNP rs1057520674, ClinGen allele CA16607688.
Genomic context (GRCh38, chr17:44,894,419, plus strand): 5'-ATCTTGTCTTAAATAAAATAAATAAGAGTGAGATAAAAGAGCAATATATTTGTTTTACCT[C>A]ATCAAGATCTTTGGTCTCTCTACCCAATTCATCATCATCTTCATCAGAATCAAGCTCTGG-3'

ClinVar aggregate classification (germline): Pathogenic (1 of 4 stars; one submission).

Submission:

GeneDx
Classification: Pathogenic. Last evaluated: 2015-04-30. Review status: criteria provided, single submitter. Criteria: GeneDx Variant Classification (06012015). Collection method: clinical testing. Allele origin: germline. Affected: yes.
Comment: The E35X variant in the EFTUD2 gene has not been reported previously as a pathogenic variantnor as a benign polymorphism, to our knowledge. This variant is predicted to cause loss of normal proteinfunction either through protein truncation or nonsense-mediated mRNA decay. The E35X variant wasnot observed in approximately 6500 individuals of European and African American ancestry in the NHLBIExome Sequencing Project, indicating it is not a common benign variant in these populations. We interpretE35X as a pathogenic variant.